The following is an entry in ClinVar:

ClinVar aggregate classification (germline): Pathogenic (1 of 4 stars; one submission).

Conditions:
Primary ciliary dyskinesia 3. Identifiers: Orphanet 244, MedGen C1837618, MONDO:0012085, OMIM 608644.

Submission:

Myriad Genetics, Inc.
Classification: Pathogenic for Primary ciliary dyskinesia 3. Last evaluated: 2025-11-10. Review status: criteria provided, single submitter. Criteria: Myriad Autosomal Dominant, Autosomal Recessive and X-Linked Classification Criteria (2023). Collection method: clinical testing. Allele origin: unknown.
Comment: NM_001369.2(DNAH5):c.4656dupT(N1553*) is a frameshift variant classified as pathogenic in the context of primary ciliary dyskinesia, DNAH5-related. N1553* has not been observed in cases with relevant disease. Relevant functional assessments of this variant are not available in the literature. N1553* has not been observed in referenced population frequency databases. In summary, NM_001369.2(DNAH5):c.4656dupT(N1553*) is a frameshift variant in a gene where loss of function is a known mechanism of disease and is predicted to disrupt protein function. Please note: this variant was assessed in the context of healthy population screening.

NM_001369.3(DNAH5):c.4656dup (p.Asn1553Ter)

Genes: DNAH5 (dynein axonemal heavy chain 5; minus strand), DNAH5-AS1 (DNAH5 antisense RNA 1; plus strand). Cytogenetic location: 5p15.2.
Variant type: Duplication.
Coding change: c.4656dup on transcript NM_001369.3 (MANE Select); coding-DNA position 4656, one base duplicated (T; older notation c.4656dupT).
Protein change: p.Asn1553Ter; replaces asparagine 1553 with a stop codon.
Molecular consequence: nonsense.
Genome position (GRCh38, 1-based): chr5:13,862,688, A duplicated on the plus strand (T on the coding strand, the reverse complement: DNAH5 is on the minus strand); the first of 2 consecutive A bases (chr5:13,862,688-13,862,689); duplicating either gives the same sequence. VCF-style (leftmost placement, unchanged base first): chr5-13862687-T-TA. GRCh37 (hg19) VCF-style: chr5-13862796-T-TA.
Other names: short protein forms N1553*.
Identifiers: ClinVar variation 5004278 (VCV005004278.1).